The following is an entry in ClinVar:

NM_007294.4(BRCA1):c.4647A>C (p.Glu1549Asp)

Gene: BRCA1 (BRCA1 DNA repair associated; minus strand). Cytogenetic location: 17q21.31.
Variant type: single nucleotide variant.
Coding change: c.4647A>C on transcript NM_007294.4 (MANE Select); coding-DNA position 4647, A replaced by C.
Protein change: p.Glu1549Asp; replaces glutamic acid 1549 with aspartic acid.
Molecular consequence: missense variant. On other transcripts: non-coding transcript variant (1).
Genome position (GRCh38, 1-based): chr17:43,074,359, T>G on the plus strand (A>C on the coding strand, the complement: BRCA1 is on the minus strand). VCF-style: chr17-43074359-T-G. GRCh37 (hg19) VCF-style: chr17-41226376-T-G.
Other names: c.4434A>C, p.Glu1478Asp (NM_001407571.1, NM_001407894.1, NM_001407895.1 and 12 more transcripts); c.4713A>C, p.Glu1571Asp (NM_001407581.1, NM_001407582.1); c.4710A>C, p.Glu1570Asp (NM_001407583.1, NM_001407585.1, NM_001407587.1 and 1 more transcripts); c.4707A>C, p.Glu1569Asp (NM_001407590.1, NM_001407591.1); c.4647A>C, p.Glu1549Asp (NM_001407593.1, NM_001407594.1, NM_001407596.1 and 8 more transcripts); c.4644A>C, p.Glu1548Asp (NM_001407610.1, NM_001407611.1, NM_001407612.1 and 17 more transcripts); c.4641A>C, p.Glu1547Asp (NM_001407627.1, NM_001407628.1, NM_001407629.1 and 14 more transcripts); c.4638A>C, p.Glu1546Asp (NM_001407644.1, NM_001407645.1); and 68 more; short protein forms E1549D, E1570D, E1502D, E445D, E1253D, E1460D, E1461D, E1480D.
Identifiers: ClinVar variation 482929 (VCV000482929.16), dbSNP rs1371814796, ClinGen allele CA10592219.
Genomic context (GRCh38, chr17:43,074,359, plus strand): 5'-TGTTTGTTCCAATACAGCAGATGAAATATTACCTAGATCTTGCCTTGGCAAGTAAGATGT[T>G]TCCGTCAAATCGTGTGGCCCAGACTCTTCCAGCTGTTGCTCCTCCACATCAACAACCTTA-3'
Protein context (NP_009225.1, residues 1539-1559): LEESGPHDLT[Glu1549Asp]TSYLPRQDLE

ClinVar aggregate classification (germline): Uncertain significance. Review status: criteria provided, multiple submitters, no conflicts (2 of 4 stars). 2 submissions from 2 submitters: Uncertain significance (2). Last evaluated 2025-10-01.

Conditions:
Hereditary breast ovarian cancer syndrome. Also called: Hereditary breast and ovarian cancer syndrome; Hereditary breast and ovarian cancer; Hereditary breast and ovarian cancer syndrome (HBOC); Breast and ovarian cancer; Hereditary breast and/or ovarian cancer syndrome; BRCA1- and BRCA2-Associated Hereditary Breast and Ovarian Cancer. Identifiers: Orphanet 145, MedGen C0677776, MeSH D061325, MONDO:0003582. Disease mechanism: loss of function.
Hereditary cancer-predisposing syndrome. Also called: Neoplastic Syndromes, Hereditary; Tumor predisposition; Hereditary Cancer Syndrome; Hereditary neoplastic syndrome. Identifiers: Orphanet 140162, MedGen C0027672, MeSH D009386, MONDO:0015356.

Allele frequency attached by ClinVar (database versions not stated): gnomAD exomes below 0.00001.
gnomAD v4.1: 2 of 1,614,070 alleles (0.00012%); highest among the groups gnomAD compares: Admixed American, 0.0033%; no homozygotes.

Submissions (2):

Ambry Genetics
Classification: Uncertain significance for Hereditary cancer-predisposing syndrome. Last evaluated: 2025-10-01. Review status: criteria provided, single submitter. Criteria: Ambry Variant Classification Scheme 2023. Collection method: clinical testing. Allele origin: germline.
Comment: The p.E1549D variant (also known as c.4647A>C), located in coding exon 13 of the BRCA1 gene, results from an A to C substitution at nucleotide position 4647. The glutamic acid at codon 1549 is replaced by aspartic acid, an amino acid with highly similar properties. This amino acid position is not well conserved in available vertebrate species. In addition, the in silico prediction for this alteration is inconclusive. Based on the available evidence, the clinical significance of this variant remains unclear.

Labcorp Genetics (formerly Invitae), Labcorp
Classification: Uncertain significance for Hereditary breast ovarian cancer syndrome. Last evaluated: 2025-03-31. Review status: criteria provided, single submitter. Criteria: Invitae Variant Classification Sherloc (09022015). Collection method: clinical testing. Allele origin: germline.
Comment: This sequence change replaces glutamic acid, which is acidic and polar, with aspartic acid, which is acidic and polar, at codon 1549 of the BRCA1 protein (p.Glu1549Asp). This variant is present in population databases (no rsID available, gnomAD 0.003%). This variant has not been reported in the literature in individuals affected with BRCA1-related conditions. ClinVar contains an entry for this variant (Variation ID: 482929). Invitae Evidence Modeling of protein sequence and biophysical properties (such as structural, functional, and spatial information, amino acid conservation, physicochemical variation, residue mobility, and thermodynamic stability) indicates that this missense variant is not expected to disrupt BRCA1 protein function with a negative predictive value of 95%. In summary, the available evidence is currently insufficient to determine the role of this variant in disease. Therefore, it has been classified as a Variant of Uncertain Significance.